The following is an entry in ClinVar:

ClinVar aggregate classification (germline): Uncertain significance (1 of 4 stars; one submission).

Submission:

GeneDx
Classification: Uncertain significance. Last evaluated: 2024-04-16. Review status: criteria provided, single submitter. Criteria: GeneDx Variant Classification Process June 2021. Collection method: clinical testing. Allele origin: germline. Affected: yes.
Comment: Not observed at significant frequency in large population cohorts (gnomAD); Has not been previously published as pathogenic or benign to our knowledge; Frameshift variant predicted to result in protein truncation or nonsense mediated decay in a gene for which loss-of-function is not an established mechanism of disease

NM_002691.4(POLD1):c.1907del (p.Gln636fs)

Gene: POLD1 (DNA polymerase delta 1, catalytic subunit; plus strand). Cytogenetic location: 19q13.33.
Variant type: Deletion.
Coding change: c.1907del on transcript NM_002691.4 (MANE Select); coding-DNA position 1907, one base deleted (A; older notation c.1907delA).
Protein change: p.Gln636fs; shifts the reading frame from glutamine 636.
Molecular consequence: frameshift variant. On other transcripts: non-coding transcript variant (1).
Genome position (GRCh38, 1-based): chr19:50,409,136, A deleted. VCF-style (leftmost placement, unchanged base first): chr19-50409135-CA-C. GRCh37 (hg19) VCF-style: chr19-50912392-CA-C.
Other names: c.1907del, p.Gln636fs (NM_001256849.1); c.1985del, p.Gln662fs (NM_001308632.1); short protein forms Q636fs, Q662fs.
Identifiers: ClinVar variation 3372686 (VCV003372686.1).